The following is an entry in ClinVar:

NM_201525.4(ADGRG1):c.1281C>A (p.Cys427Ter)

Gene: ADGRG1 (adhesion G protein-coupled receptor G1; plus strand). Cytogenetic location: 16q21.
Variant type: single nucleotide variant.
Coding change: c.1281C>A on transcript NM_201525.4 (MANE Select); coding-DNA position 1281, C replaced by A.
Protein change: p.Cys427Ter; replaces cysteine 427 with a stop codon.
Molecular consequence: nonsense.
Genome position (GRCh38, 1-based): chr16:57,657,486, C>A. VCF-style: chr16-57657486-C-A. GRCh37 (hg19) VCF-style: chr16-57691398-C-A.
Other names: c.1281C>A, p.Cys427Ter (NM_001145770.3, NM_001145771.3, NM_001145772.3 and 14 more transcripts); c.1296C>A, p.Cys432Ter (NM_001145773.3, NM_001370433.1); c.771C>A, p.Cys257Ter (NM_001290142.2); c.756C>A, p.Cys252Ter (NM_001290143.2, NM_001290144.2, NM_001370453.1 and 2 more transcripts); c.1281C>A (NM_005682.6); c.1278C>A, p.Cys426Ter (NM_001370434.1, NM_001370441.1); c.1125C>A, p.Cys375Ter (NM_001370442.1); short protein forms C427*, C257*, C432*, C252*, C375*, C426*.
Identifiers: ClinVar variation 3638695 (VCV003638695.3).

ClinVar aggregate classification (germline): Pathogenic/Likely pathogenic. Review status: criteria provided, multiple submitters, no conflicts (2 of 4 stars). 2 submissions from 2 submitters: Pathogenic (1); Likely pathogenic (1). Last evaluated 2025-12-15.

Conditions:
Bilateral frontoparietal polymicrogyria. Also called: CEREBELLAR ATAXIA WITH NEURONAL MIGRATION DEFECT; CORTICAL DYSPLASIA, COMPLEX, WITH OTHER BRAIN MALFORMATIONS 14A (BILATERAL FRONTOPARIETAL). Identifiers: Orphanet 101070, MedGen C1847352, MONDO:0011738, OMIM 606854.

gnomAD v4.1: 1 of 1,611,174 alleles (0.000062%); highest among the groups gnomAD compares: Non-Finnish European, 0.000085%; no homozygotes.

Submissions (2):

Natera, Inc.
Classification: Likely pathogenic for Bilateral frontoparietal polymicrogyria. Last evaluated: 2025-12-15. Review status: criteria provided, single submitter. Criteria: Natera Variant Classification Schema (03/2026). Collection method: clinical testing. Allele origin: germline.
Comment: The c.1281C>A variant in ADGRG1 is a nonsense variant predicted to introduce a stop codon at amino acid 427. This variant is expected to result in nonsense mediated decay, truncation, or a dysfunctional protein product. This variant is rare in the general population with a frequency below the threshold expected for the associated phenotype(s). Given the available evidence, this variant is classified as Likely Pathogenic.

Labcorp Genetics (formerly Invitae), Labcorp
Classification: Pathogenic. Last evaluated: 2024-02-03. Review status: criteria provided, single submitter. Criteria: Invitae Variant Classification Sherloc (09022015). Collection method: clinical testing. Allele origin: germline.
Comment: This sequence change creates a premature translational stop signal (p.Cys427*) in the ADGRG1 gene. It is expected to result in an absent or disrupted protein product. Loss-of-function variants in ADGRG1 are known to be pathogenic (PMID: 15044805, 20929962). This variant is not present in population databases (gnomAD no frequency). This variant has not been reported in the literature in individuals affected with ADGRG1-related conditions. For these reasons, this variant has been classified as Pathogenic.

Literature cited by the submitters: PubMed 15044805 (cited by Labcorp Genetics (formerly Invitae), Labcorp); PubMed 20929962 (cited by Labcorp Genetics (formerly Invitae), Labcorp).